The following is an entry in ClinVar:

ClinVar aggregate classification (germline): Likely pathogenic (1 of 4 stars; one submission).

Conditions:
Tuberous sclerosis 2 (TSC2). Identifiers: Orphanet 805, MedGen C1860707, MONDO:0013199, OMIM 613254.

Submission:

Labcorp Genetics (formerly Invitae), Labcorp
Classification: Likely pathogenic for Tuberous sclerosis 2. Last evaluated: 2023-04-10. Review status: criteria provided, single submitter. Criteria: Invitae Variant Classification Sherloc (09022015). Collection method: clinical testing. Allele origin: germline.
Comment: This variant, c.1683_1685del, results in the deletion of 1 amino acid(s) of the TSC2 protein (p.Thr562del), but otherwise preserves the integrity of the reading frame. In summary, the currently available evidence indicates that the variant is pathogenic, but additional data are needed to prove that conclusively. Therefore, this variant has been classified as Likely Pathogenic. This variant has been observed in individual(s) with prenatal cardiac rhabdomyoma (Invitae). In at least one individual the variant was observed to be de novo. This variant is not present in population databases (gnomAD no frequency).

NM_000548.5(TSC2):c.1683_1685del (p.Thr562del)

Gene: TSC2 (TSC complex subunit 2; plus strand). Cytogenetic location: 16p13.3.
Variant type: Deletion.
Coding change: c.1683_1685del on transcript NM_000548.5 (MANE Select); coding-DNA positions 1683 to 1685, 3 bases deleted (GAC; older notation c.1683_1685delGAC).
Protein change: p.Thr562del; deletes threonine 562.
Molecular consequence: inframe deletion. On other transcripts: non-coding transcript variant (5).
Genome position (GRCh38, 1-based): chr16:2,065,602-2,065,604, GAC deleted. VCF-style (leftmost placement, unchanged base first): chr16-2065601-AGAC-A. GRCh37 (hg19) VCF-style: chr16-2115602-AGAC-A.
Other names: c.1683_1685del, p.Thr562del (NM_001077183.3, NM_001114382.3, NM_001363528.2 and 6 more transcripts); c.1572_1574del, p.Thr525del (NM_001318827.2, NM_001406670.1, NM_001406678.1); c.1536_1538del, p.Thr513del (NM_001318829.2, NM_001406675.1, NM_001406676.1 and 1 more transcripts); c.1083_1085del, p.Thr362del (NM_001318831.2, NM_001406680.1, NM_001406682.1 and 6 more transcripts); c.1716_1718del, p.Thr573del (NM_001318832.2); c.1773_1775del, p.Thr592del (NM_001406667.1, NM_001406668.1); c.1671_1673del, p.Thr558del (NM_001406671.1, NM_001406673.1); c.1626_1628del, p.Thr543del (NM_001406677.1); and 3 more; short protein forms T562del, T592del, T513del, T543del, T573del, T114del, T28del, T362del.
Identifiers: ClinVar variation 2816331 (VCV002816331.3), dbSNP rs2543475153, ClinGen allele CA2739269894.